The following is an entry in ClinVar:

NM_019032.6(ADAMTSL4):c.26G>A (p.Trp9Ter)

Genes: ADAMTSL4 (ADAMTS like 4; plus strand), ADAMTSL4-AS2 (ADAMTSL4 antisense RNA 2; minus strand). Cytogenetic location: 1q21.2.
Variant type: single nucleotide variant.
Coding change: c.26G>A on transcript NM_019032.6 (MANE Select); coding-DNA position 26, G replaced by A.
Protein change: p.Trp9Ter; replaces tryptophan 9 with a stop codon.
Molecular consequence: nonsense.
Genome position (GRCh38, 1-based): chr1:150,552,548, G>A. VCF-style: chr1-150552548-G-A. GRCh37 (hg19) VCF-style: chr1-150525024-G-A.
Other names: c.26G>A, p.Trp9Ter (NM_001288607.2, NM_001288608.2, NM_001378596.1 and 1 more transcripts); short protein forms W9*.
Identifiers: ClinVar variation 2842124 (VCV002842124.3), dbSNP rs367669399, ClinGen allele CA342295725.

ClinVar aggregate classification (germline): Pathogenic (1 of 4 stars; one submission).

Submission:

Labcorp Genetics (formerly Invitae), Labcorp
Classification: Pathogenic. Last evaluated: 2024-03-14. Review status: criteria provided, single submitter. Criteria: Invitae Variant Classification Sherloc (09022015). Collection method: clinical testing. Allele origin: germline.
Comment: This sequence change creates a premature translational stop signal (p.Trp9*) in the ADAMTSL4 gene. It is expected to result in an absent or disrupted protein product. Loss-of-function variants in ADAMTSL4 are known to be pathogenic (PMID: 20564469, 28642162). This variant is not present in population databases (gnomAD no frequency). This variant has not been reported in the literature in individuals affected with ADAMTSL4-related conditions. For these reasons, this variant has been classified as Pathogenic.

Literature cited by the submitters: PubMed 20564469; PubMed 28642162.